The following is an entry in ClinVar:

ClinVar aggregate classification (germline): Likely benign (1 of 4 stars; one submission).

Allele frequency attached by ClinVar (database versions not stated): 1000 Genomes Project 0.00140; 1000 Genomes Project 30x 0.00141; ESP Exome Variant Server 0.00431.
gnomAD v4.1: 7,332 of 1,608,812 alleles (0.46%); highest among the groups gnomAD compares: Middle Eastern, 1.2%; 31 homozygotes.

Submission:

CeGaT Center for Human Genetics Tuebingen
Classification: Likely benign. Last evaluated: 2022-11-01. Review status: criteria provided, single submitter. Criteria: CeGaT Center For Human Genetics Tuebingen Variant Classification Criteria Version 2. Collection method: clinical testing. Allele origin: germline. Affected: yes. Observed: 1 variant allele.
Comment: NIPAL3: BP4, BP7, BS2

NM_020448.5(NIPAL3):c.381G>A (p.Pro127=)

Gene: NIPAL3 (NIPA like domain containing 3; plus strand). Cytogenetic location: 1p36.11.
Variant type: single nucleotide variant.
Coding change: c.381G>A on transcript NM_020448.5 (MANE Select); coding-DNA position 381, G replaced by A.
Protein change: p.Pro127=; no amino-acid change (proline 127 retained).
Molecular consequence: synonymous variant. On other transcripts: 5 prime UTR variant (3), non-coding transcript variant (2), intron variant (1).
Genome position (GRCh38, 1-based): chr1:24,445,231, G>A. VCF-style: chr1-24445231-G-A. GRCh37 (hg19) VCF-style: chr1-24771721-G-A.
Other names: c.381G>A, p.Pro127= (NM_001322854.2, NM_001322855.2, NM_001322856.2 and 4 more transcripts); c.-103G>A (NM_001322858.2, NM_001322859.2, NM_001322861.2); c.135G>A, p.Pro45= (NM_001322862.2, NM_001322863.2); c.378G>A, p.Pro126= (NM_001322864.2); c.354G>A, p.Pro118= (NM_001322866.2); c.-89-4250G>A (NM_001322860.2).
Identifiers: ClinVar variation 2638495 (VCV002638495.24), dbSNP rs144375095, ClinGen allele CA690952.